The following is an entry in ClinVar:

NM_001369.3(DNAH5):c.13699A>G (p.Ile4567Val)

Gene: DNAH5 (dynein axonemal heavy chain 5; minus strand). Cytogenetic location: 5p15.2.
Variant type: single nucleotide variant.
Coding change: c.13699A>G on transcript NM_001369.3 (MANE Select); coding-DNA position 13699, A replaced by G.
Protein change: p.Ile4567Val; replaces isoleucine 4567 with valine.
Molecular consequence: missense variant.
Genome position (GRCh38, 1-based): chr5:13,700,664, T>C on the plus strand (A>G on the coding strand, the complement: DNAH5 is on the minus strand). VCF-style: chr5-13700664-T-C. GRCh37 (hg19) VCF-style: chr5-13700773-T-C.
Other names: short protein forms I4567V.
Identifiers: ClinVar variation 1399992 (VCV001399992.4), dbSNP rs761546028, ClinGen allele CA3201279.
Genomic context (GRCh38, chr5:13,700,664, plus strand): 5'-AATGCGAGCCCTTACTGAAGGTACAAGACAACTTACTATTGTTTTCTGCATAAATCCTTA[T>C]GACAGGCATCAACTCAAAGAGCACTTTTGGCTTTGATTCAATGAGTTTCATGTTCCTCTT-3'
Protein context (NP_001360.1, residues 4557-4577): PKVLFELMPV[Ile4567Val]RIYAENNTLR

ClinVar aggregate classification (germline): Conflicting classifications of pathogenicity. Review status: criteria provided, conflicting classifications (1 of 4 stars). 2 submissions from 2 submitters: Uncertain significance (1); Likely benign (1). Last evaluated 2021-11-16.

Conditions:
Primary ciliary dyskinesia. Also called: Ciliary dyskinesia. Identifiers: Orphanet 244, MedGen C0008780, MONDO:0016575, HP:0012265.

Allele frequency attached by ClinVar (database versions not stated): gnomAD exomes below 0.00001; ExAC 0.00001; gnomAD 0.00001.
gnomAD v4.1: 22 of 1,614,096 alleles (0.0014%); highest among the groups gnomAD compares: Non-Finnish European, 0.0018%; no homozygotes.

Submissions (2):

Labcorp Genetics (formerly Invitae), Labcorp
Classification: Uncertain significance for Primary ciliary dyskinesia. Last evaluated: 2021-11-16. Review status: criteria provided, single submitter. Criteria: Invitae Variant Classification Sherloc (09022015). Collection method: clinical testing. Allele origin: germline.
Comment: This sequence change replaces isoleucine, which is neutral and non-polar, with valine, which is neutral and non-polar, at codon 4567 of the DNAH5 protein (p.Ile4567Val). This variant is present in population databases (rs761546028, gnomAD 0.0009%). This variant has not been reported in the literature in individuals affected with DNAH5-related conditions. Advanced modeling of protein sequence and biophysical properties (such as structural, functional, and spatial information, amino acid conservation, physicochemical variation, residue mobility, and thermodynamic stability) performed at Invitae indicates that this missense variant is not expected to disrupt DNAH5 protein function. Algorithms developed to predict the effect of sequence changes on RNA splicing suggest that this variant may create or strengthen a splice site. In summary, the available evidence is currently insufficient to determine the role of this variant in disease. Therefore, it has been classified as a Variant of Uncertain Significance.

Blueprint Genetics
Classification: Likely benign. Last evaluated: 2020-12-02. Review status: criteria provided, single submitter. Criteria: ACMG Guidelines, 2015. Collection method: clinical testing. Allele origin: germline.